The following is an entry in ClinVar:

NM_000465.4(BARD1):c.2135A>G (p.Asp712Gly)

Gene: BARD1 (BRCA1 associated RING domain 1; minus strand). Cytogenetic location: 2q35.
Variant type: single nucleotide variant.
Coding change: c.2135A>G on transcript NM_000465.4 (MANE Select); coding-DNA position 2135, A replaced by G.
Protein change: p.Asp712Gly; replaces aspartic acid 712 with glycine.
Molecular consequence: missense variant. On other transcripts: non-coding transcript variant (3).
Genome position (GRCh38, 1-based): chr2:214,728,875, T>C on the plus strand (A>G on the coding strand, the complement: BARD1 is on the minus strand). VCF-style: chr2-214728875-T-C. GRCh37 (hg19) VCF-style: chr2-215593599-T-C.
Other names: c.2078A>G, p.Asp693Gly (NM_001282543.2); c.782A>G, p.Asp261Gly (NM_001282545.2); c.725A>G, p.Asp242Gly (NM_001282548.2); c.596A>G, p.Asp199Gly (NM_001282549.2); c.2135A>G (NM_000465.2); short protein forms D712G, D261G, D199G, D242G, D693G.
Identifiers: ClinVar variation 1382203 (VCV001382203.9), dbSNP rs2105987279, ClinGen allele CA350450524.

ClinVar aggregate classification (germline): Uncertain significance. Review status: criteria provided, multiple submitters, no conflicts (2 of 4 stars). 3 submissions from 3 submitters: Uncertain significance (3). Last evaluated 2025-06-30.

Conditions:
Hereditary cancer-predisposing syndrome. Also called: Tumor predisposition; Neoplastic Syndromes, Hereditary; Hereditary Cancer Syndrome; Hereditary neoplastic syndrome. Identifiers: Orphanet 140162, MedGen C0027672, MeSH D009386, MONDO:0015356.
Familial cancer of breast. Also called: Hereditary breast cancer; BREAST CANCER, FAMILIAL; hereditary breast carcinoma. Identifiers: Orphanet 227535, MedGen C0346153, MONDO:0016419, OMIM 114480. Disease mechanism: loss of function.

Allele frequency attached by ClinVar (database versions not stated): gnomAD exomes below 0.00001.
gnomAD v4.1: 1 of 1,614,168 alleles (0.000062%); highest among the groups gnomAD compares: Non-Finnish European, 0.000085%; no homozygotes.

Submissions (3):

Color Diagnostics, LLC DBA Color Health
Classification: Uncertain significance for Hereditary cancer-predisposing syndrome. Last evaluated: 2025-06-30. Review status: criteria provided, single submitter. Criteria: ACMG Guidelines, 2015. Collection method: clinical testing. Allele origin: germline.
Comment: This missense variant replaces aspartic acid with glycine at codon 712 of the BARD1 protein. Computational prediction is inconclusive regarding the impact of this variant on protein structure and function. To our knowledge, functional studies have not been reported for this variant. This variant has not been reported in individuals affected with BARD1-related disorders in the literature. This variant has not been identified in the general population by the Genome Aggregation Database (gnomAD). The available evidence is insufficient to determine the role of this variant in disease conclusively. Therefore, this variant is classified as a Variant of Uncertain Significance.

Ambry Genetics
Classification: Uncertain significance for Hereditary cancer-predisposing syndrome. Last evaluated: 2025-06-08. Review status: criteria provided, single submitter. Criteria: Ambry Variant Classification Scheme 2023. Collection method: clinical testing. Allele origin: germline.
Comment: The p.D712G variant (also known as c.2135A>G), located in coding exon 11 of the BARD1 gene, results from an A to G substitution at nucleotide position 2135. The aspartic acid at codon 712 is replaced by glycine, an amino acid with similar properties. This amino acid position is conserved. In addition, the in silico prediction for this alteration is inconclusive. Based on the available evidence, the clinical significance of this variant remains unclear.

Labcorp Genetics (formerly Invitae), Labcorp
Classification: Uncertain significance for Familial cancer of breast. Last evaluated: 2023-10-16. Review status: criteria provided, single submitter. Criteria: Invitae Variant Classification Sherloc (09022015). Collection method: clinical testing. Allele origin: germline.
Comment: This sequence change replaces aspartic acid, which is acidic and polar, with glycine, which is neutral and non-polar, at codon 712 of the BARD1 protein (p.Asp712Gly). This variant is not present in population databases (gnomAD no frequency). This variant has not been reported in the literature in individuals affected with BARD1-related conditions. ClinVar contains an entry for this variant (Variation ID: 1382203). An algorithm developed to predict the effect of missense changes on protein structure and function (PolyPhen-2) suggests that this variant is likely to be disruptive. In summary, the available evidence is currently insufficient to determine the role of this variant in disease. Therefore, it has been classified as a Variant of Uncertain Significance.